The following is an entry in ClinVar:

NM_020376.4(PNPLA2):c.1010C>T (p.Pro337Leu)

Gene: PNPLA2 (patatin like domain 2, triacylglycerol lipase; plus strand). Cytogenetic location: 11p15.5.
Variant type: single nucleotide variant.
Coding change: c.1010C>T on transcript NM_020376.4 (MANE Select); coding-DNA position 1010, C replaced by T.
Protein change: p.Pro337Leu; replaces proline 337 with leucine.
Molecular consequence: missense variant.
Genome position (GRCh38, 1-based): chr11:824,088, C>T. VCF-style: chr11-824088-C-T. GRCh37 (hg19) VCF-style: chr11-824088-C-T.
Other names: short protein forms P337L.
Identifiers: ClinVar variation 970617 (VCV000970617.7), dbSNP rs370723127, ClinGen allele CA5791269.
Genomic context (GRCh38, chr11:824,088, plus strand): 5'-ACCTGCTGACCACCCTCTCCAACATGCTGCCTGTGCGTCTGGCCACGGCCATGATGGTGC[C>T]CTACACGCTGCCGCTGGAGAGCGCTCTGTCCTTCACCATCCGGTGTGAGGGCTGGGGGGT-3'
Protein context (NP_065109.1, residues 327-347): PVRLATAMMV[Pro337Leu]YTLPLESALS

ClinVar aggregate classification (germline): Uncertain significance. Review status: criteria provided, multiple submitters, no conflicts (2 of 4 stars). 2 submissions from 2 submitters: Uncertain significance (2). Last evaluated 2023-08-17.

Conditions:
Neutral lipid storage myopathy (NLSDM). Also called: NEUTRAL LIPID STORAGE DISEASE WITHOUT ICHTHYOSIS. Identifiers: Orphanet 98908, MedGen C1853136, MONDO:0012545, OMIM 610717.

Allele frequency attached by ClinVar (database versions not stated): gnomAD 0.00001; gnomAD exomes 0.00001 and 0.00006; TOPMed 0.00001; ESP Exome Variant Server 0.00008; ExAC 0.00009.
gnomAD v4.1: 20 of 1,606,044 alleles (0.0012%); highest among the groups gnomAD compares: Admixed American, 0.027%; no homozygotes.

Submissions (2):

Revvity Omics, Revvity
Classification: Uncertain significance for Neutral lipid storage myopathy. Last evaluated: 2023-08-17. Review status: criteria provided, single submitter. Criteria: ACMG Guidelines, 2015. Collection method: clinical testing. Allele origin: germline.

Labcorp Genetics (formerly Invitae), Labcorp
Classification: Uncertain significance for Neutral lipid storage myopathy. Last evaluated: 2022-10-04. Review status: criteria provided, single submitter. Criteria: Invitae Variant Classification Sherloc (09022015). Collection method: clinical testing. Allele origin: germline.
Comment: This sequence change replaces proline, which is neutral and non-polar, with leucine, which is neutral and non-polar, at codon 337 of the PNPLA2 protein (p.Pro337Leu). This variant is present in population databases (rs370723127, gnomAD 0.04%). This variant has not been reported in the literature in individuals affected with PNPLA2-related conditions. ClinVar contains an entry for this variant (Variation ID: 970617). Advanced modeling of protein sequence and biophysical properties (such as structural, functional, and spatial information, amino acid conservation, physicochemical variation, residue mobility, and thermodynamic stability) performed at Invitae indicates that this missense variant is not expected to disrupt PNPLA2 protein function. In summary, the available evidence is currently insufficient to determine the role of this variant in disease. Therefore, it has been classified as a Variant of Uncertain Significance.